The following is an entry in ClinVar:

NM_002861.5(PCYT2):c.873G>A (p.Ala291=)

Gene: PCYT2 (phosphate cytidylyltransferase 2, ethanolamine; minus strand). Cytogenetic location: 17q25.3.
Variant type: single nucleotide variant.
Coding change: c.873G>A on transcript NM_002861.5 (MANE Select); coding-DNA position 873, G replaced by A.
Protein change: p.Ala291=; no amino-acid change (alanine 291 retained).
Molecular consequence: synonymous variant.
Genome position (GRCh38, 1-based): chr17:81,905,700, C>T on the plus strand (G>A on the coding strand, the complement: PCYT2 is on the minus strand). VCF-style: chr17-81905700-C-T. GRCh37 (hg19) VCF-style: chr17-79863576-C-T.
Other names: c.927G>A, p.Ala309= (NM_001184917.3); c.711G>A, p.Ala237= (NM_001256433.3); c.750G>A, p.Ala250= (NM_001256434.3); c.639G>A, p.Ala213= (NM_001256435.3, NM_001282203.2); c.777G>A, p.Ala259= (NM_001282204.2); c.873G>A, p.Ala291= (NM_001330518.2).
Identifiers: ClinVar variation 2648468 (VCV002648468.25), dbSNP rs370946083, ClinGen allele CA295119188.

ClinVar aggregate classification (germline): Likely benign. Review status: criteria provided, multiple submitters, no conflicts (2 of 4 stars). 2 submissions from 2 submitters: Likely benign (2). Last evaluated 2022-11-01.

Allele frequency attached by ClinVar (database versions not stated): gnomAD 0.00001; TOPMed 0.00002.

Submissions (2):

CeGaT Center for Human Genetics Tuebingen
Classification: Likely benign. Last evaluated: 2022-11-01. Review status: criteria provided, single submitter. Criteria: CeGaT Center For Human Genetics Tuebingen Variant Classification Criteria Version 2. Collection method: clinical testing. Allele origin: germline. Affected: yes. Observed: 1 variant allele.
Comment: PCYT2: BP4, BP7

Breakthrough Genomics
Classification: Likely benign. Review status: criteria provided, single submitter. Criteria: ACMG Guidelines, 2015. Collection method: not provided. Allele origin: germline. Inheritance: Autosomal recessive inheritance. Affected: yes.